The following is an entry in ClinVar:

NM_003480.4(MFAP5):c.397G>A (p.Glu133Lys)

Gene: MFAP5 (microfibril associated protein 5; minus strand). Cytogenetic location: 12p13.31.
Variant type: single nucleotide variant.
Coding change: c.397G>A on transcript NM_003480.4 (MANE Select); coding-DNA position 397, G replaced by A.
Protein change: p.Glu133Lys; replaces glutamic acid 133 with lysine.
Molecular consequence: missense variant. On other transcripts: non-coding transcript variant (2), intron variant (1).
Genome position (GRCh38, 1-based): chr12:8,649,513, C>T on the plus strand (G>A on the coding strand, the complement: MFAP5 is on the minus strand). VCF-style: chr12-8649513-C-T. GRCh37 (hg19) VCF-style: chr12-8802109-C-T.
Other names: c.367G>A, p.Glu123Lys (NM_001297709.2); c.331G>A, p.Glu111Lys (NM_001297710.2); c.322G>A, p.Glu108Lys (NM_001297711.2); c.218-1310G>A (NM_001297712.2); short protein forms E123K, E108K, E111K, E133K.
Identifiers: ClinVar variation 3682425 (VCV003682425.2).

ClinVar aggregate classification (germline): Uncertain significance (1 of 4 stars; one submission).

gnomAD v4.1: 6 of 1,613,840 alleles (0.00037%); highest among the groups gnomAD compares: Admixed American, 0.0017%; no homozygotes.

Submission:

Labcorp Genetics (formerly Invitae), Labcorp
Classification: Uncertain significance. Last evaluated: 2024-03-13. Review status: criteria provided, single submitter. Criteria: Invitae Variant Classification Sherloc (09022015). Collection method: clinical testing. Allele origin: germline.
Comment: This sequence change replaces glutamic acid, which is acidic and polar, with lysine, which is basic and polar, at codon 133 of the MFAP5 protein (p.Glu133Lys). This variant is present in population databases (no rsID available, gnomAD 0.003%). This variant has not been reported in the literature in individuals affected with MFAP5-related conditions. An algorithm developed to predict the effect of missense changes on protein structure and function (PolyPhen-2) suggests that this variant is likely to be disruptive. In summary, the available evidence is currently insufficient to determine the role of this variant in disease. Therefore, it has been classified as a Variant of Uncertain Significance.